The following is an entry in ClinVar:

ClinVar aggregate classification (germline): Uncertain significance. Review status: criteria provided, multiple submitters, no conflicts (2 of 4 stars). 2 submissions from 2 submitters: Uncertain significance (2). Last evaluated 2024-11-14.

Conditions:
Inborn genetic diseases. Identifiers: MedGen C0950123, MeSH D030342.

Submissions (2):

Ambry Genetics
Classification: Uncertain significance for Inborn genetic diseases. Last evaluated: 2024-11-14. Review status: criteria provided, single submitter. Criteria: Ambry Variant Classification Scheme 2023. Collection method: clinical testing. Allele origin: germline.

Labcorp Genetics (formerly Invitae), Labcorp
Classification: Uncertain significance. Last evaluated: 2022-09-15. Review status: criteria provided, single submitter. Criteria: Invitae Variant Classification Sherloc (09022015). Collection method: clinical testing. Allele origin: germline.
Comment: In summary, the available evidence is currently insufficient to determine the role of this variant in disease. Therefore, it has been classified as a Variant of Uncertain Significance. Algorithms developed to predict the effect of missense changes on protein structure and function are either unavailable or do not agree on the potential impact of this missense change (SIFT: "Deleterious"; PolyPhen-2: "Probably Damaging"; Align-GVGD: "Class C0"). This variant has not been reported in the literature in individuals affected with CACNA1D-related conditions. This variant is not present in population databases (gnomAD no frequency). This sequence change replaces serine, which is neutral and polar, with arginine, which is basic and polar, at codon 2077 of the CACNA1D protein (p.Ser2077Arg).

NM_001128840.3(CACNA1D):c.6169A>C (p.Ser2057Arg)

Gene: CACNA1D (calcium voltage-gated channel subunit alpha1 D; plus strand). Cytogenetic location: 3p21.1.
Variant type: single nucleotide variant.
Coding change: c.6169A>C on transcript NM_001128840.3 (MANE Select); coding-DNA position 6169, A replaced by C.
Protein change: p.Ser2057Arg; replaces serine 2057 with arginine.
Molecular consequence: missense variant.
Genome position (GRCh38, 1-based): chr3:53,810,275, A>C. VCF-style: chr3-53810275-A-C. GRCh37 (hg19) VCF-style: chr3-53844302-A-C.
Other names: c.6229A>C (NM_000720.2); c.6229A>C, p.Ser2077Arg (NM_000720.4); c.6097A>C, p.Ser2033Arg (NM_001128839.3); short protein forms S2033R, S2057R, S2077R.
Identifiers: ClinVar variation 1719456 (VCV001719456.6), dbSNP rs2474563735, ClinGen allele CA353258838.